The following is an entry in ClinVar:

NM_001348323.3(TRIP12):c.5655T>C (p.Asp1885=)

Gene: TRIP12 (thyroid hormone receptor interactor 12; minus strand). Cytogenetic location: 2q36.3.
Variant type: single nucleotide variant.
Coding change: c.5655T>C on transcript NM_001348323.3 (MANE Select); coding-DNA position 5655, T replaced by C.
Protein change: p.Asp1885=; no amino-acid change (aspartic acid 1885 retained).
Molecular consequence: synonymous variant.
Genome position (GRCh38, 1-based): chr2:229,774,136, A>G on the plus strand (T>C on the coding strand, the complement: TRIP12 is on the minus strand). VCF-style: chr2-229774136-A-G. GRCh37 (hg19) VCF-style: chr2-230638852-A-G.
Other names: c.5574T>C, p.Asp1858= (NM_001284214.2, NM_001348315.2); c.5529T>C, p.Asp1843= (NM_001284215.2, NM_001348316.2); c.4620T>C, p.Asp1540= (NM_001284216.2); c.5514T>C, p.Asp1838= (NM_001348317.1, NM_001348318.2); c.5640T>C, p.Asp1880= (NM_001348319.1, NM_001348320.2); c.5643T>C, p.Asp1881= (NM_001348321.1); c.5655T>C, p.Asp1885= (NM_001348322.1, NM_001348324.2, NM_001348325.2 and 2 more transcripts); c.5658T>C, p.Asp1886= (NM_001348328.1, NM_001348329.2, NM_001348330.2); and 4 more.
Identifiers: ClinVar variation 4874319 (VCV004874319.2).

ClinVar aggregate classification (germline): Likely benign (1 of 4 stars; one submission).

gnomAD v4.1: 1 of 1,614,098 alleles (0.000062%); highest among the groups gnomAD compares: South Asian, 0.0011%; no homozygotes.

Submission:

CeGaT Center for Human Genetics Tuebingen
Classification: Likely benign. Last evaluated: 2026-07-01. Review status: criteria provided, single submitter. Criteria: CeGaT Center For Human Genetics Tuebingen Variant Classification Criteria Version 2. Collection method: clinical testing. Allele origin: germline. Affected: yes. Observed: 3 variant alleles.
Comment: TRIP12: BP4, BP7